The following is an entry in ClinVar:

ClinVar aggregate classification (germline): Uncertain significance (1 of 4 stars; one submission).

Conditions:
Inborn genetic diseases. Identifiers: MedGen C0950123, MeSH D030342.

gnomAD v4.1: 1 of 1,614,142 alleles (0.000062%); highest among the groups gnomAD compares: Non-Finnish European, 0.000085%; no homozygotes.

Submission:

Ambry Genetics
Classification: Uncertain significance for Inborn genetic diseases. Last evaluated: 2025-11-05. Review status: criteria provided, single submitter. Criteria: Ambry Variant Classification Scheme 2023. Collection method: clinical testing. Allele origin: germline.
Comment: The c.4882C>T (p.R1628C) alteration is located in exon 35 (coding exon 34) of the MTOR gene. This alteration results from a C to T substitution at nucleotide position 4882, causing the arginine (R) at amino acid position 1628 to be replaced by a cysteine (C). Based on data from gnomAD, the T allele has an overall frequency of <0.001% (1/251320) total alleles studied. The highest observed frequency was 0.001% (1/113660) of European (non-Finnish) alleles. Based on insufficient or conflicting evidence, the clinical significance of this alteration remains unclear.

NM_004958.4(MTOR):c.4882C>T (p.Arg1628Cys)

Gene: MTOR (mechanistic target of rapamycin kinase; minus strand). Cytogenetic location: 1p36.22.
Variant type: single nucleotide variant.
Coding change: c.4882C>T on transcript NM_004958.4 (MANE Select); coding-DNA position 4882, C replaced by T.
Protein change: p.Arg1628Cys; replaces arginine 1628 with cysteine.
Molecular consequence: missense variant.
Genome position (GRCh38, 1-based): chr1:11,139,649, G>A on the plus strand (C>T on the coding strand, the complement: MTOR is on the minus strand). VCF-style: chr1-11139649-G-A. GRCh37 (hg19) VCF-style: chr1-11199706-G-A.
Other names: c.4882C>T, p.Arg1628Cys (NM_001386500.1); c.3634C>T, p.Arg1212Cys (NM_001386501.1); short protein forms R1628C, R1212C.
Identifiers: ClinVar variation 4625302 (VCV004625302.1).